The following is an entry in ClinVar:

ClinVar aggregate classification (germline): Uncertain significance. Review status: criteria provided, single submitter (1 of 4 stars). 2 submissions from 2 submitters: Uncertain significance (1). 1 of the submissions does not count toward it. Last evaluated 2026-07-08.

Conditions:
Junctional epidermolysis bullosa. Identifiers: Orphanet 305, MedGen C0079301, MONDO:0017612.
Junctional epidermolysis bullosa gravis of Herlitz. Also called: EPIDERMOLYSIS BULLOSA, JUNCTIONAL 1B, SEVERE; Epidermolysis Bullosa Letalis; Herlitz-type junctional epidermolysis bullosa; EPIDERMOLYSIS BULLOSA JUNCTIONALIS, HERLITZ TYPE; EPIDERMOLYSIS BULLOSA, JUNCTIONAL, HERLITZ-PEARSON TYPE; JEB-HERLITZ TYPE. Identifiers: Orphanet 79404, MedGen C0079683, MONDO:0009182, OMIM 226700.

Submissions (2):

Myriad Genetics, Inc.
Classification: Uncertain significance for Junctional epidermolysis bullosa. Last evaluated: 2026-07-08. Review status: criteria provided, single submitter. Criteria: Myriad Autosomal Dominant, Autosomal Recessive and X-Linked Classification Criteria (2023). Collection method: clinical testing. Allele origin: unknown.
Comment: NM_005562.2(LAMC2):c.2456+1G>C is a variant in a canonical splice site classified as a variant of uncertain significance in the context of junctional epidermolysis bullosa, LAMC2-related. c.2456+1G>C has not been observed in cases with relevant disease. Relevant functional assessments of this variant are not available in the literature. c.2456+1G>C has not been observed in referenced population frequency databases. In summary, there is insufficient evidence to classify NM_005562.2(LAMC2):c.2456+1G>C as pathogenic or benign. Please note: this variant was assessed in the context of healthy population screening.

Counsyl
Classification: Likely pathogenic for Junctional epidermolysis bullosa gravis of Herlitz. Last evaluated: 2017-09-28. Review status: no assertion criteria provided. Collection method: clinical testing. Allele origin: unknown. Not counted in ClinVar's aggregate classification.

NM_005562.3(LAMC2):c.2456+1G>C

Gene: LAMC2 (laminin subunit gamma 2; plus strand). Cytogenetic location: 1q25.3.
Variant type: single nucleotide variant.
Coding change: c.2456+1G>C on transcript NM_005562.3 (MANE Select); the canonical splice donor site of the intron after coding-DNA position 2456, G replaced by C.
Molecular consequence: splice donor variant.
Genome position (GRCh38, 1-based): chr1:183,235,731, G>C. VCF-style: chr1-183235731-G-C. GRCh37 (hg19) VCF-style: chr1-183204866-G-C.
Other names: c.2456+1G>C (NM_018891.3).
Identifiers: ClinVar variation 554143 (VCV000554143.3), dbSNP rs1553267356, ClinGen allele CA343695633.
Genomic context (GRCh38, chr1:183,235,731, plus strand): 5'-AGGAGTCGGAAGCGGAAGCGGTAGCCCGGACGGTGCTGTGGTGCAAGGGCTTGTGGAAAA[G>C]TACGTTCCTACGGGTCCTCCCGTGGCTCATTATACCTTGGATACTCCCAGGGCAAAATGC-3'